The following is an entry in ClinVar:

ClinVar aggregate classification (germline): Likely benign (1 of 4 stars; one submission).

Conditions:
Familial adenomatous polyposis 1 (FAP1). Also called: POLYPOSIS, ADENOMATOUS INTESTINAL; FAMILIAL ADENOMATOUS POLYPOSIS 1, ATTENUATED. Identifiers: MedGen C2713442, MONDO:0021056, OMIM 175100. Disease mechanism: loss of function.

Submission:

Myriad Genetics, Inc.
Classification: Likely benign for Familial adenomatous polyposis 1. Last evaluated: 2024-03-01. Review status: criteria provided, single submitter. Criteria: Myriad Autosomal Dominant, Autosomal Recessive and X-Linked Classification Criteria (2023). Collection method: clinical testing. Allele origin: unknown.
Comment: This variant is considered likely benign. This variant is intronic and is not expected to impact mRNA splicing.

NM_000038.6(APC):c.1312+7T>C

Gene: APC (APC regulator of Wnt signaling pathway; plus strand). Cytogenetic location: 5q22.2.
Variant type: single nucleotide variant.
Coding change: c.1312+7T>C on transcript NM_000038.6 (MANE Select); 7 bases into the intron after coding-DNA position 1312, T replaced by C.
Molecular consequence: intron variant.
Genome position (GRCh38, 1-based): chr5:112,819,351, T>C. VCF-style: chr5-112819351-T-C. GRCh37 (hg19) VCF-style: chr5-112155048-T-C.
Other names: c.463+7T>C (NM_001407470.1, NM_001354906.2); c.160+7T>C (NM_001407472.1, NM_001407471.1); c.1312+7T>C (NM_001407447.1, NM_001354895.2, NM_001407448.1 and 4 more transcripts); c.1009+7T>C (NM_001407456.1, NM_001407460.1, NM_001407457.1 and 5 more transcripts); c.1228+7T>C (NM_001407452.1, NM_001354899.2); c.925+7T>C (NM_001407469.1, NM_001407467.1); c.1342+7T>C (NM_001407446.1, NM_001354897.2); c.1039+7T>C (NM_001354902.2); and 5 more.
Identifiers: ClinVar variation 3148799 (VCV003148799.1), dbSNP rs2149784298, ClinGen allele CA2825001380.